The following is an entry in ClinVar:

ClinVar aggregate classification (germline): Likely benign (1 of 4 stars; one submission).

Conditions:
Immunodeficiency due to CD25 deficiency. Also called: IMMUNODEFICIENCY 41 WITH LYMPHOPROLIFERATION AND AUTOIMMUNITY; CD25 DEFICIENCY; IL2RA DEFICIENCY. Identifiers: Orphanet 169100, MedGen C1853392, MONDO:0011664, OMIM 606367.

Allele frequency attached by ClinVar (database versions not stated): 1000 Genomes Project 0.00300; 1000 Genomes Project 30x 0.00344; TOPMed 0.00573.

Submission:

Illumina Laboratory Services, Illumina
Classification: Likely benign for Immunodeficiency due to CD25 deficiency. Last evaluated: 2018-01-13. Review status: criteria provided, single submitter. Criteria: ICSL Variant Classification Criteria 13 December 2019. Collection method: clinical testing. Allele origin: germline.
Comment: This variant was observed in the ICSL laboratory as part of a predisposition screen in an ostensibly healthy population. It had not been previously curated by ICSL or reported in the Human Gene Mutation Database (HGMD: prior to June 1st, 2018), and was therefore a candidate for classification through an automated scoring system. Utilizing variant allele frequency, disease prevalence and penetrance estimates, and inheritance mode, an automated score was calculated to assess if this variant is too frequent to cause the disease. Based on the score and internal cut-off values, a variant classified as likely benign is not then subjected to further curation. The score for this variant resulted in a classification of likely benign for this disease.

NM_000417.3(IL2RA):c.*1026G>A

Gene: IL2RA (interleukin 2 receptor subunit alpha; minus strand). Cytogenetic location: 10p15.1.
Variant type: single nucleotide variant.
Coding change: c.*1026G>A on transcript NM_000417.3 (MANE Select); 1026 bases downstream of the stop codon, G replaced by A.
Molecular consequence: 3 prime UTR variant.
Genome position (GRCh38, 1-based): chr10:6,011,846, C>T on the plus strand (G>A on the coding strand, the complement: IL2RA is on the minus strand). VCF-style: chr10-6011846-C-T. GRCh37 (hg19) VCF-style: chr10-6053809-C-T.
Other names: c.*1026G>A (NM_001308242.2, NM_001308243.2).
Identifiers: ClinVar variation 300232 (VCV000300232.5), dbSNP rs28360484, ClinGen allele CA10635984.